The following is an entry in ClinVar:

NM_001384609.1(SLITRK5):c.2820C>G (p.Asn940Lys)

Gene: SLITRK5 (SLIT and NTRK like family member 5; plus strand). Cytogenetic location: 13q31.2.
Variant type: single nucleotide variant.
Coding change: c.2820C>G on transcript NM_001384609.1 (MANE Select); coding-DNA position 2820, C replaced by G.
Protein change: p.Asn940Lys; replaces asparagine 940 with lysine.
Molecular consequence: missense variant.
Genome position (GRCh38, 1-based): chr13:87,678,208, C>G. VCF-style: chr13-87678208-C-G. GRCh37 (hg19) VCF-style: chr13-88330463-C-G.
Other names: c.2820C>G, p.Asn940Lys (NM_001384610.1, NM_015567.2); short protein forms N940K.
Identifiers: ClinVar variation 2633021 (VCV002633021.2), dbSNP rs202157449, ClinGen allele CA254159696.

ClinVar aggregate classification (germline): Uncertain significance. Review status: criteria provided, multiple submitters, no conflicts (2 of 4 stars). 2 submissions from 2 submitters: Uncertain significance (2). Last evaluated 2024-07-16.

Conditions:
SLITRK5-related disorder. Also called: SLITRK5-related condition.

gnomAD v4.1: 29 of 1,614,064 alleles (0.0018%); highest among the groups gnomAD compares: Non-Finnish European, 0.0021%; no homozygotes.

Submissions (2):

Ambry Genetics
Classification: Uncertain significance. Last evaluated: 2024-07-16. Review status: criteria provided, single submitter. Criteria: Ambry Variant Classification Scheme 2023. Collection method: clinical testing. Allele origin: germline.

PreventionGenetics, part of Exact Sciences
Classification: Uncertain significance for SLITRK5-related condition. Last evaluated: 2023-05-09. Review status: criteria provided, single submitter. Criteria: ACMG Guidelines, 2015. Collection method: clinical testing. Allele origin: germline.
Comment: The SLITRK5 c.2820C>G variant is predicted to result in the amino acid substitution p.Asn940Lys. To our knowledge, this variant has not been reported in the literature. This variant is reported in 0.0033% of alleles in individuals of South Asian descent in gnomAD. At this time, the clinical significance of this variant is uncertain due to the absence of conclusive functional and genetic evidence.